The following is an entry in ClinVar:

ClinVar aggregate classification (germline): Conflicting classifications of pathogenicity. Review status: criteria provided, conflicting classifications (1 of 4 stars). 3 submissions from 3 submitters: Uncertain significance (2); Likely benign (1). Last evaluated 2024-04-26.

Conditions:
Inborn genetic diseases. Identifiers: MedGen C0950123, MeSH D030342.

Allele frequency attached by ClinVar (database versions not stated): TOPMed 0.00002; gnomAD 0.00003 and 0.00004; gnomAD exomes 0.00003.

Submissions (3):

Blueprint Genetics
Classification: Uncertain significance. Last evaluated: 2024-04-26. Review status: criteria provided, single submitter. Criteria: ACMG Guidelines, 2015. Collection method: clinical testing. Allele origin: germline.

Labcorp Genetics (formerly Invitae), Labcorp
Classification: Uncertain significance. Last evaluated: 2022-05-22. Review status: criteria provided, single submitter. Criteria: Invitae Variant Classification Sherloc (09022015). Collection method: clinical testing. Allele origin: germline.
Comment: In summary, the available evidence is currently insufficient to determine the role of this variant in disease. Therefore, it has been classified as a Variant of Uncertain Significance. Algorithms developed to predict the effect of missense changes on protein structure and function output the following: SIFT: "Tolerated"; PolyPhen-2: "Benign"; Align-GVGD: "Class C0". The isoleucine amino acid residue is found in multiple mammalian species, which suggests that this missense change does not adversely affect protein function. ClinVar contains an entry for this variant (Variation ID: 1063258). This variant has not been reported in the literature in individuals affected with CEP78-related conditions. The frequency data for this variant in the population databases is considered unreliable, as metrics indicate poor data quality at this position in the gnomAD database. This sequence change replaces valine, which is neutral and non-polar, with isoleucine, which is neutral and non-polar, at codon 288 of the CEP78 protein (p.Val288Ile).

Ambry Genetics
Classification: Likely benign for Inborn genetic diseases. Last evaluated: 2022-04-12. Review status: criteria provided, single submitter. Criteria: Ambry Variant Classification Scheme 2023. Collection method: clinical testing. Allele origin: germline.

NM_001330691.3(CEP78):c.862G>A (p.Val288Ile)

Gene: CEP78 (centrosomal protein 78; plus strand). Cytogenetic location: 9q21.2.
Variant type: single nucleotide variant.
Coding change: c.862G>A on transcript NM_001330691.3 (MANE Select); coding-DNA position 862, G replaced by A.
Protein change: p.Val288Ile; replaces valine 288 with isoleucine.
Molecular consequence: missense variant.
Genome position (GRCh38, 1-based): chr9:78,246,752, G>A. VCF-style: chr9-78246752-G-A. GRCh37 (hg19) VCF-style: chr9-80861668-G-A.
Other names: c.862G>A (NM_001098802.1); c.862G>A, p.Val288Ile (NM_001098802.3, NM_001330693.3, NM_001330694.2 and 4 more transcripts); short protein forms V288I.
Identifiers: ClinVar variation 1063258 (VCV001063258.7), dbSNP rs779953987, ClinGen allele CA194401542.